The following is an entry in ClinVar:

ClinVar aggregate classification (germline): Uncertain significance. Review status: criteria provided, multiple submitters, no conflicts (2 of 4 stars). 2 submissions from 2 submitters: Uncertain significance (2). Last evaluated 2024-07-31.

Conditions:
Age related macular degeneration 1 (ARMD1). Also called: MACULOPATHY, AGE-RELATED, 1. Identifiers: MedGen C1864205, MONDO:0011285, OMIM 603075.

Allele frequency attached by ClinVar (database versions not stated): gnomAD exomes below 0.00001 and 0.00001; gnomAD 0.00001 and 0.00002; TOPMed 0.00002.
gnomAD v4.1: 16 of 1,613,844 alleles (0.00099%); highest among the groups gnomAD compares: Non-Finnish European, 0.0013%; no homozygotes.

Submissions (2):

Labcorp Genetics (formerly Invitae), Labcorp
Classification: Uncertain significance. Last evaluated: 2024-07-31. Review status: criteria provided, single submitter. Criteria: Invitae Variant Classification Sherloc (09022015). Collection method: clinical testing. Allele origin: germline.
Comment: This sequence change replaces glycine, which is neutral and non-polar, with alanine, which is neutral and non-polar, at codon 4155 of the HMCN1 protein (p.Gly4155Ala). This variant is present in population databases (rs537694143, gnomAD 0.0009%). This variant has not been reported in the literature in individuals affected with HMCN1-related conditions. ClinVar contains an entry for this variant (Variation ID: 294249). An algorithm developed to predict the effect of missense changes on protein structure and function (PolyPhen-2) suggests that this variant is likely to be disruptive. In summary, the available evidence is currently insufficient to determine the role of this variant in disease. Therefore, it has been classified as a Variant of Uncertain Significance.

Illumina Laboratory Services, Illumina
Classification: Uncertain significance for Age related macular degeneration 1. Last evaluated: 2018-01-12. Review status: criteria provided, single submitter. Criteria: ICSL Variant Classification Criteria 13 December 2019. Collection method: clinical testing. Allele origin: germline.

NM_031935.3(HMCN1):c.12464G>C (p.Gly4155Ala)

Gene: HMCN1 (hemicentin 1; plus strand). Cytogenetic location: 1q31.1.
Variant type: single nucleotide variant.
Coding change: c.12464G>C on transcript NM_031935.3 (MANE Select); coding-DNA position 12464, G replaced by C.
Protein change: p.Gly4155Ala; replaces glycine 4155 with alanine.
Molecular consequence: missense variant.
Genome position (GRCh38, 1-based): chr1:186,123,185, G>C. VCF-style: chr1-186123185-G-C. GRCh37 (hg19) VCF-style: chr1-186092317-G-C.
Other names: short protein forms G4155A.
Identifiers: ClinVar variation 294249 (VCV000294249.8), dbSNP rs537694143, ClinGen allele CA10608569.